The following is an entry in ClinVar:

ClinVar aggregate classification (germline): Uncertain significance (1 of 4 stars; one submission).

gnomAD v4.1: 1 of 1,612,666 alleles (0.000062%); highest among the groups gnomAD compares: Non-Finnish European, 0.000085%; no homozygotes.

Submission:

Labcorp Genetics (formerly Invitae), Labcorp
Classification: Uncertain significance. Last evaluated: 2025-03-07. Review status: criteria provided, single submitter. Criteria: Invitae Variant Classification Sherloc (09022015). Collection method: clinical testing. Allele origin: germline.
Comment: This sequence change replaces glycine, which is neutral and non-polar, with glutamic acid, which is acidic and polar, at codon 514 of the MKL1 protein (p.Gly514Glu). This variant is present in population databases (rs752200215, gnomAD 0.006%). This variant has not been reported in the literature in individuals affected with MKL1-related conditions. An algorithm developed to predict the effect of missense changes on protein structure and function (PolyPhen-2) suggests that this variant is likely to be tolerated. In summary, the available evidence is currently insufficient to determine the role of this variant in disease. Therefore, it has been classified as a Variant of Uncertain Significance.

NM_020831.6(MRTFA):c.1841G>A (p.Gly614Glu)

Gene: MRTFA (myocardin related transcription factor A; minus strand). Cytogenetic location: 22q13.1.
Variant type: single nucleotide variant.
Coding change: c.1841G>A on transcript NM_020831.6 (MANE Select); coding-DNA position 1841, G replaced by A.
Protein change: p.Gly614Glu; replaces glycine 614 with glutamic acid.
Molecular consequence: missense variant.
Genome position (GRCh38, 1-based): chr22:40,418,897, C>T on the plus strand (G>A on the coding strand, the complement: MRTFA is on the minus strand). VCF-style: chr22-40418897-C-T. GRCh37 (hg19) VCF-style: chr22-40814901-C-T.
Other names: c.1541G>A, p.Gly514Glu (NM_001282660.2); c.1691G>A, p.Gly564Glu (NM_001282661.3); c.1841G>A, p.Gly614Glu (NM_001282662.3); c.1646G>A, p.Gly549Glu (NM_001318139.2); short protein forms G514E, G549E, G614E, G564E.
Identifiers: ClinVar variation 4714628 (VCV004714628.1).
Genomic context (GRCh38, chr22:40,418,897, plus strand): 5'-ATCTGCTTGTCTTTCTCCTGCAGCATCTGGTCCTTGTCGCGCCCCTCTAGCTCCGCCCGC[C>T]CCCCAGGGCTCAGGCAACAGGACCCGGCCCGGGGGCCCTCCTCCTTCACGAGGATCTGCA-3'
Protein context (NP_065882.2, residues 604-624): RAGSCCLSPG[Gly614Glu]RAELEGRDKD